The following is an entry in ClinVar:

NM_003743.5(NCOA1):c.3630A>G (p.Thr1210=)

Gene: NCOA1 (nuclear receptor coactivator 1; plus strand). Cytogenetic location: 2p23.3.
Variant type: single nucleotide variant.
Coding change: c.3630A>G on transcript NM_003743.5 (MANE Select); coding-DNA position 3630, A replaced by G.
Protein change: p.Thr1210=; no amino-acid change (threonine 1210 retained).
Molecular consequence: synonymous variant.
Genome position (GRCh38, 1-based): chr2:24,742,110, A>G. VCF-style: chr2-24742110-A-G. GRCh37 (hg19) VCF-style: chr2-24964979-A-G.
Other names: c.3630A>G, p.Thr1210= (NM_001362950.1, NM_001362952.1, NM_001362954.1 and 3 more transcripts).
Identifiers: ClinVar variation 4998291 (VCV004998291.1).
Genomic context (GRCh38, chr2:24,742,110, plus strand): 5'-AGCAGCAAATCCTGAAGCATCCTTGGCCAACCGCAACAGCATGGTGAGCAGAGGCATGAC[A>G]GGAAACATAGGAGGACAGTTTGGCACTGGAATCAATCCTCAGATGCAGCAGAATGTCTTC-3'
Protein context (NP_003734.3, residues 1200-1220): NRNSMVSRGM[Thr1210=]GNIGGQFGTG

ClinVar aggregate classification (germline): Likely benign (1 of 4 stars; one submission).

Conditions:
NCOA1-related disorder. Also called: NCOA1-related condition.

Submission:

PreventionGenetics, part of Exact Sciences
Classification: Likely benign for NCOA1-related condition. Last evaluated: 2025-03-12. Review status: criteria provided, single submitter. Criteria: ACMG Guidelines, 2015. Collection method: clinical testing. Allele origin: germline.
Comment: This variant is classified as likely benign based on ACMG/AMP sequence variant interpretation guidelines (Richards et al. 2015 PMID: 25741868, with internal and published modifications).